The following is an entry in ClinVar:

ClinVar aggregate classification (germline): Uncertain significance. Review status: criteria provided, multiple submitters, no conflicts (2 of 4 stars). 5 submissions from 5 submitters: Uncertain significance (4). 1 of the submissions does not count toward it. Last evaluated 2025-10-22.

Conditions:
Inborn genetic diseases. Identifiers: MedGen C0950123, MeSH D030342.
PDZD7-related disorder. Also called: PDZD7-related disorders; PDZD7-related condition.

Allele frequency attached by ClinVar (database versions not stated): ExAC 0.00005; gnomAD exomes 0.00007 and 0.00019; ESP Exome Variant Server 0.00008; 1000 Genomes Project 30x 0.00016; TOPMed 0.00023; gnomAD 0.00024 and 0.00026.
gnomAD v4.1: 304 of 1,614,228 alleles (0.019%); highest among the groups gnomAD compares: African/African-American, 0.036%; no homozygotes.

Submissions (5):

GeneDx
Classification: Uncertain significance. Last evaluated: 2025-10-22. Review status: criteria provided, single submitter. Criteria: GeneDx Variant Classification Process June 2021. Collection method: clinical testing. Allele origin: germline.
Comment: In silico analysis supports that this missense variant has a deleterious effect on protein structure/function; Has not been previously published as pathogenic or benign to our knowledge

Labcorp Genetics (formerly Invitae), Labcorp
Classification: Uncertain significance. Last evaluated: 2025-01-15. Review status: criteria provided, single submitter. Criteria: Invitae Variant Classification Sherloc (09022015). Collection method: clinical testing. Allele origin: germline.
Comment: This sequence change replaces aspartic acid, which is acidic and polar, with asparagine, which is neutral and polar, at codon 218 of the PDZD7 protein (p.Asp218Asn). This variant is present in population databases (rs142301501, gnomAD 0.03%). This variant has not been reported in the literature in individuals affected with PDZD7-related conditions. ClinVar contains an entry for this variant (Variation ID: 953119). Invitae Evidence Modeling of protein sequence and biophysical properties (such as structural, functional, and spatial information, amino acid conservation, physicochemical variation, residue mobility, and thermodynamic stability) indicates that this missense variant is not expected to disrupt PDZD7 protein function with a negative predictive value of 80%. In summary, the available evidence is currently insufficient to determine the role of this variant in disease. Therefore, it has been classified as a Variant of Uncertain Significance.

Ambry Genetics
Classification: Uncertain significance for Inborn genetic diseases. Last evaluated: 2024-08-19. Review status: criteria provided, single submitter. Criteria: Ambry Variant Classification Scheme 2023. Collection method: clinical testing. Allele origin: germline.

Blueprint Genetics
Classification: Uncertain significance. Last evaluated: 2022-07-01. Review status: criteria provided, single submitter. Criteria: ACMG Guidelines, 2015. Collection method: clinical testing. Allele origin: germline.

PreventionGenetics, part of Exact Sciences
Classification: Uncertain significance for PDZD7-related condition. Last evaluated: 2024-04-11. Review status: no assertion criteria provided. Collection method: clinical testing. Allele origin: germline. Not counted in ClinVar's aggregate classification.
Comment: The PDZD7 c.652G>A variant is predicted to result in the amino acid substitution p.Asp218Asn. To our knowledge, this variant has not been reported in the literature. This variant is reported in 0.032% of alleles in individuals of African descent in gnomAD. At this time, the clinical significance of this variant is uncertain due to the absence of conclusive functional and genetic evidence.

NM_001195263.2(PDZD7):c.652G>A (p.Asp218Asn)

Gene: PDZD7 (PDZ domain containing 7; minus strand). Cytogenetic location: 10q24.31.
Variant type: single nucleotide variant.
Coding change: c.652G>A on transcript NM_001195263.2 (MANE Select); coding-DNA position 652, G replaced by A.
Protein change: p.Asp218Asn; replaces aspartic acid 218 with asparagine.
Molecular consequence: missense variant.
Genome position (GRCh38, 1-based): chr10:101,022,276, C>T on the plus strand (G>A on the coding strand, the complement: PDZD7 is on the minus strand). VCF-style: chr10-101022276-C-T. GRCh37 (hg19) VCF-style: chr10-102782033-C-T.
Other names: c.652G>A, p.Asp218Asn (NM_001351044.2, NM_024895.5); short protein forms D218N.
Identifiers: ClinVar variation 953119 (VCV000953119.12), dbSNP rs142301501, ClinGen allele CA5654305.
Genomic context (GRCh38, chr10:101,022,276, plus strand): 5'-CATAGATGCCCAGGCCAAACTCCTTGCCCCCACGGATGTTGAAGCCCAGGCAGAAGTCGT[C>T]GGAGGTTGTGTATAGGTGGACGATGCGCCGGACACCATCTTCTGAGCTGGTGTCGGAGGG-3'
Protein context (NP_001182192.1, residues 208-228): RRIVHLYTTS[Asp218Asn]DFCLGFNIRG